The following is an entry in ClinVar:

NC_000011.10:g.17395719del

Gene: ABCC8 (ATP binding cassette subfamily C member 8; minus strand). Cytogenetic location: 11p15.1.
Variant type: Deletion.
Genome position: GRCh38 VCF-style: chr11-17395716-GC-G. GRCh37 (hg19) VCF-style: chr11-17417263-GC-G.
Identifiers: ClinVar variation 1452477 (VCV001452477.6), dbSNP rs2133401493, ClinGen allele CA2573146246.

ClinVar aggregate classification (germline): Pathogenic (1 of 4 stars; one submission).

Submission:

Labcorp Genetics (formerly Invitae), Labcorp
Classification: Pathogenic. Last evaluated: 2021-06-11. Review status: criteria provided, single submitter. Criteria: Invitae Variant Classification Sherloc (09022015). Collection method: clinical testing. Allele origin: germline.
Comment: This variant is not present in population databases (ExAC no frequency). This sequence change creates a premature translational stop signal (p.His1401Thrfs*59) in the ABCC8 gene. It is expected to result in an absent or disrupted protein product. Loss-of-function variants in ABCC8 are known to be pathogenic (PMID: 20685672, 23345197). This variant has not been reported in the literature in individuals with ABCC8-related conditions. For these reasons, this variant has been classified as Pathogenic.

Literature cited by the submitters: PubMed 20685672; PubMed 23345197.